The following is an entry in ClinVar:

NM_004519.4(KCNQ3):c.401T>C (p.Leu134Pro)

Gene: KCNQ3 (potassium voltage-gated channel subfamily Q member 3; minus strand). Cytogenetic location: 8q24.22.
Variant type: single nucleotide variant.
Coding change: c.401T>C on transcript NM_004519.4 (MANE Select); coding-DNA position 401, T replaced by C.
Protein change: p.Leu134Pro; replaces leucine 134 with proline.
Molecular consequence: missense variant.
Genome position (GRCh38, 1-based): chr8:132,186,167, A>G on the plus strand (T>C on the coding strand, the complement: KCNQ3 is on the minus strand). VCF-style: chr8-132186167-A-G. GRCh37 (hg19) VCF-style: chr8-133198414-A-G.
Other names: c.41T>C, p.Leu14Pro (NM_001204824.2); short protein forms L134P, L14P.
Identifiers: ClinVar variation 1714473 (VCV001714473.5), dbSNP rs2536963270, ClinGen allele CA372291482.
Genomic context (GRCh38, chr8:132,186,167, plus strand): 5'-TCTCCCGAGACAGTCTCATACTCCTTGAATGTGGTCAGGACAGCCAGAATCAAGCACCCC[A>G]GGACAATCAGGAACCTAGAGGGGAAGAAAGAAATGGACTAAGGAACCTTTGAGTCATGGC-3'
Protein context (NP_004510.1, residues 124-144): LYHALVFLIV[Leu134Pro]GCLILAVLTT

ClinVar aggregate classification (germline): Uncertain significance (1 of 4 stars; one submission).

Conditions:
Benign neonatal seizures. Also called: Benign neonatal familial convulsions; Convulsions benign familial neonatal dominant form; Autosomal dominant form of benign neonatal seizures; Benign familial neonatal epilepsy; Benign familial neonatal seizures. Identifiers: Orphanet 1949, MedGen C0220669, MONDO:0016027.

Submission:

Labcorp Genetics (formerly Invitae), Labcorp
Classification: Uncertain significance for Benign neonatal seizures. Last evaluated: 2022-07-14. Review status: criteria provided, single submitter. Criteria: Invitae Variant Classification Sherloc (09022015). Collection method: clinical testing. Allele origin: germline.
Comment: Advanced modeling of protein sequence and biophysical properties (such as structural, functional, and spatial information, amino acid conservation, physicochemical variation, residue mobility, and thermodynamic stability) performed at Invitae indicates that this missense variant is expected to disrupt KCNQ3 protein function. In summary, the available evidence is currently insufficient to determine the role of this variant in disease. Therefore, it has been classified as a Variant of Uncertain Significance. This variant has not been reported in the literature in individuals affected with KCNQ3-related conditions. This sequence change replaces leucine, which is neutral and non-polar, with proline, which is neutral and non-polar, at codon 134 of the KCNQ3 protein (p.Leu134Pro). This variant is not present in population databases (gnomAD no frequency).